The following is an entry in ClinVar:

NM_000063.6(C2):c.446G>C (p.Gly149Ala)

Gene: C2 (complement C2; plus strand). Cytogenetic location: 6p21.33.
Variant type: single nucleotide variant.
Coding change: c.446G>C on transcript NM_000063.6 (MANE Select); coding-DNA position 446, G replaced by C.
Protein change: p.Gly149Ala; replaces glycine 149 with alanine.
Molecular consequence: missense variant. On other transcripts: 5 prime UTR variant (1).
Genome position (GRCh38, 1-based): chr6:31,933,613, G>C. VCF-style: chr6-31933613-G-C. GRCh37 (hg19) VCF-style: chr6-31901390-G-C.
Other names: c.446G>C (NM_000063.4); c.50G>C, p.Gly17Ala (NM_001145903.3); c.77G>C, p.Gly26Ala (NM_001178063.3); c.-60G>C (NM_001282457.2); c.359G>C, p.Gly120Ala (NM_001282458.2); c.446G>C, p.Gly149Ala (NM_001282459.2); short protein forms G17A, G26A, G120A, G149A.
Identifiers: ClinVar variation 1400333 (VCV001400333.5), dbSNP rs761340734, ClinGen allele CA3727402.

ClinVar aggregate classification (germline): Uncertain significance. Review status: criteria provided, multiple submitters, no conflicts (2 of 4 stars). 2 submissions from 2 submitters: Uncertain significance (2). Last evaluated 2025-08-02.

Allele frequency attached by ClinVar (database versions not stated): TOPMed below 0.00001; ExAC 0.00001; gnomAD exomes 0.00001.

Submissions (2):

Ambry Genetics
Classification: Uncertain significance. Last evaluated: 2025-08-02. Review status: criteria provided, single submitter. Criteria: Ambry Variant Classification Scheme 2023. Collection method: clinical testing. Allele origin: germline.

Labcorp Genetics (formerly Invitae), Labcorp
Classification: Uncertain significance. Last evaluated: 2022-08-31. Review status: criteria provided, single submitter. Criteria: Invitae Variant Classification Sherloc (09022015). Collection method: clinical testing. Allele origin: germline.
Comment: This sequence change replaces glycine, which is neutral and non-polar, with alanine, which is neutral and non-polar, at codon 149 of the C2 protein (p.Gly149Ala). This variant is present in population databases (rs761340734, gnomAD 0.006%). This variant has not been reported in the literature in individuals affected with C2-related conditions. ClinVar contains an entry for this variant (Variation ID: 1400333). Algorithms developed to predict the effect of missense changes on protein structure and function (SIFT, PolyPhen-2, Align-GVGD) all suggest that this variant is likely to be tolerated. In summary, the available evidence is currently insufficient to determine the role of this variant in disease. Therefore, it has been classified as a Variant of Uncertain Significance.